The following is an entry in ClinVar:

ClinVar aggregate classification (germline): Likely benign (1 of 4 stars; one submission).

Allele frequency attached by ClinVar (database versions not stated): gnomAD exomes below 0.00001.
gnomAD v4.1: 1 of 1,612,118 alleles (0.000062%); highest among the groups gnomAD compares: Non-Finnish European, 0.000085%; no homozygotes.

Submission:

GeneDx
Classification: Likely benign. Last evaluated: 2016-03-14. Review status: criteria provided, single submitter. Criteria: GeneDx Variant Classification (06012015). Collection method: clinical testing. Allele origin: germline. Affected: yes.
Comment: This variant is considered likely benign or benign based on one or more of the following criteria: it is a conservative change, it occurs at a poorly conserved position in the protein, it is predicted to be benign by multiple in silico algorithms, and/or has population frequency not consistent with disease.

NM_001931.5(DLAT):c.1815-17T>G

Genes: DLAT (dihydrolipoamide S-acetyltransferase; plus strand), PIH1D2 (PIH1 domain containing 2; minus strand). Cytogenetic location: 11q23.1.
Variant type: single nucleotide variant.
Coding change: c.1815-17T>G on transcript NM_001931.5 (MANE Select); 17 bases into the intron before coding-DNA position 1815, T replaced by G.
Molecular consequence: intron variant.
Genome position (GRCh38, 1-based): chr11:112,062,389, T>G. VCF-style: chr11-112062389-T-G. GRCh37 (hg19) VCF-style: chr11-111933113-T-G.
Other names: c.1353-17T>G (NM_001372042.1); c.1833-17T>G (NM_001372031.1); c.1794-17T>G (NM_001372033.1); c.1707-17T>G (NM_001372035.1); c.1809-17T>G (NM_001372032.1); c.1500-17T>G (NM_001372039.1); c.1392-17T>G (NM_001372041.1); c.1536-17T>G (NM_001372038.1); and 4 more.
Identifiers: ClinVar variation 384239 (VCV000384239.1), dbSNP rs1057521901, ClinGen allele CA16606236.